The following is an entry in ClinVar:

ClinVar aggregate classification (germline): Uncertain significance. Review status: criteria provided, multiple submitters, no conflicts (2 of 4 stars). 2 submissions from 2 submitters: Uncertain significance (2). Last evaluated 2025-10-14.

Conditions:
Hereditary cancer-predisposing syndrome. Also called: Neoplastic Syndromes, Hereditary; Tumor predisposition; Hereditary neoplastic syndrome; Hereditary Cancer Syndrome. Identifiers: Orphanet 140162, MedGen C0027672, MeSH D009386, MONDO:0015356.

Allele frequency attached by ClinVar (database versions not stated): gnomAD exomes below 0.00001; TOPMed below 0.00001.
gnomAD v4.1: 1 of 1,592,670 alleles (0.000063%); highest among the groups gnomAD compares: East Asian, 0.0022%; no homozygotes.

Submissions (2):

Ambry Genetics
Classification: Uncertain significance for Hereditary cancer-predisposing syndrome. Last evaluated: 2025-10-14. Review status: criteria provided, single submitter. Criteria: Ambry Variant Classification Scheme 2023. Collection method: clinical testing. Allele origin: germline.
Comment: The p.S804T variant (also known as c.2411G>C), located in coding exon 17 of the MSH3 gene, results from a G to C substitution at nucleotide position 2411. The serine at codon 804 is replaced by threonine, an amino acid with similar properties. This amino acid position is conserved. In addition, this alteration is predicted to be tolerated by in silico analysis. Since supporting evidence is limited at this time, the clinical significance of this alteration remains unclear.

Labcorp Genetics (formerly Invitae), Labcorp
Classification: Uncertain significance. Last evaluated: 2025-05-21. Review status: criteria provided, single submitter. Criteria: Invitae Variant Classification Sherloc (09022015). Collection method: clinical testing. Allele origin: germline.
Comment: This sequence change replaces serine, which is neutral and polar, with threonine, which is neutral and polar, at codon 804 of the MSH3 protein (p.Ser804Thr). This variant is not present in population databases (gnomAD no frequency). This variant has not been reported in the literature in individuals affected with MSH3-related conditions. ClinVar contains an entry for this variant (Variation ID: 1372851). An algorithm developed to predict the effect of missense changes on protein structure and function (PolyPhen-2) suggests that this variant is likely to be tolerated. In summary, the available evidence is currently insufficient to determine the role of this variant in disease. Therefore, it has been classified as a Variant of Uncertain Significance.

NM_002439.5(MSH3):c.2411G>C (p.Ser804Thr)

Gene: MSH3 (mutS homolog 3; plus strand). Cytogenetic location: 5q14.1.
Variant type: single nucleotide variant.
Coding change: c.2411G>C on transcript NM_002439.5 (MANE Select); coding-DNA position 2411, G replaced by C.
Protein change: p.Ser804Thr; replaces serine 804 with threonine.
Molecular consequence: missense variant.
Genome position (GRCh38, 1-based): chr5:80,778,812, G>C. VCF-style: chr5-80778812-G-C. GRCh37 (hg19) VCF-style: chr5-80074631-G-C.
Other names: c.2411G>C (NM_002439.3); short protein forms S804T.
Identifiers: ClinVar variation 1372851 (VCV001372851.8), dbSNP rs1411328201, ClinGen allele CA360281888.